The following is an entry in ClinVar:

ClinVar aggregate classification (germline): Uncertain significance (1 of 4 stars; one submission).

Submission:

Labcorp Genetics (formerly Invitae), Labcorp
Classification: Uncertain significance. Last evaluated: 2024-07-03. Review status: criteria provided, single submitter. Criteria: Invitae Variant Classification Sherloc (09022015). Collection method: clinical testing. Allele origin: germline.
Comment: This sequence change replaces serine, which is neutral and polar, with leucine, which is neutral and non-polar, at codon 82 of the GPR101 protein (p.Ser82Leu). This variant is present in population databases (rs761526487, gnomAD 0.02%). This variant has not been reported in the literature in individuals affected with GPR101-related conditions. Algorithms developed to predict the effect of missense changes on protein structure and function output the following: SIFT: "Not Available"; PolyPhen-2: "Benign"; Align-GVGD: "Not Available". The leucine amino acid residue is found in multiple mammalian species, which suggests that this missense change does not adversely affect protein function. In summary, the available evidence is currently insufficient to determine the role of this variant in disease. Therefore, it has been classified as a Variant of Uncertain Significance.

NM_054021.2(GPR101):c.245C>T (p.Ser82Leu)

Gene: GPR101 (G protein-coupled receptor 101; minus strand). Cytogenetic location: Xq26.3.
Variant type: single nucleotide variant.
Coding change: c.245C>T on transcript NM_054021.2 (MANE Select); coding-DNA position 245, C replaced by T.
Protein change: p.Ser82Leu; replaces serine 82 with leucine.
Molecular consequence: missense variant.
Genome position (GRCh38, 1-based): chrX:137,031,430, G>A on the plus strand (C>T on the coding strand, the complement: GPR101 is on the minus strand). VCF-style: chrX-137031430-G-A. GRCh37 (hg19) VCF-style: chrX-136113589-G-A.
Other names: short protein forms S82L.
Identifiers: ClinVar variation 3619190 (VCV003619190.2).
Genomic context (GRCh38, chrX:137,031,430, plus strand): 5'-TGGCTGTTGAGGGGCCAGAAGAGAGGCACAGAGGTGGCCACCACCCAGGGGGCCACGAGC[G>A]AAATCTGCAGCAGGTCGGTGACGAGGAGGTTAAAGATAAAACGGTTGGTCACCTGCAGCA-3'
Protein context (NP_473362.1, residues 72-92): NLLVTDLLQI[Ser82Leu]LVAPWVVATS